The following is an entry in ClinVar:

ClinVar aggregate classification (germline): Uncertain significance. Review status: criteria provided, multiple submitters, no conflicts (2 of 4 stars). 2 submissions from 2 submitters: Uncertain significance (2). Last evaluated 2025-11-17.

Conditions:
POLD1-related polyposis and colorectal cancer syndrome (CRCS10). Also called: Colorectal cancer, susceptibility to, 10; Colorectal cancer 10; COLORECTAL CANCER, SUSCEPTIBILITY TO, ON CHROMOSOME 19q. Identifiers: Orphanet 220460, MedGen C2675481, MONDO:0012953, OMIM 612591.
Hereditary cancer-predisposing syndrome. Also called: Tumor predisposition; Hereditary Cancer Syndrome; Hereditary neoplastic syndrome; Neoplastic Syndromes, Hereditary. Identifiers: Orphanet 140162, MedGen C0027672, MeSH D009386, MONDO:0015356.

Allele frequency attached by ClinVar (database versions not stated): gnomAD exomes below 0.00001; ExAC 0.00001.
gnomAD v4.1: 2 of 1,613,686 alleles (0.00012%); highest among the groups gnomAD compares: Non-Finnish European, 0.000085%; no homozygotes.

Submissions (2):

Labcorp Genetics (formerly Invitae), Labcorp
Classification: Uncertain significance for POLD1-related polyposis and colorectal cancer syndrome. Last evaluated: 2025-11-17. Review status: criteria provided, single submitter. Criteria: Invitae Variant Classification Sherloc (09022015). Collection method: clinical testing. Allele origin: germline.
Comment: This sequence change replaces threonine, which is neutral and polar, with isoleucine, which is neutral and non-polar, at codon 539 of the POLD1 protein (p.Thr539Ile). This variant is present in population databases (rs754969306, gnomAD 0.0009%). This variant has not been reported in the literature in individuals affected with POLD1-related conditions. ClinVar contains an entry for this variant (Variation ID: 1396674). Invitae Evidence Modeling of protein sequence and biophysical properties (such as structural, functional, and spatial information, amino acid conservation, physicochemical variation, residue mobility, and thermodynamic stability) indicates that this missense variant is expected to disrupt POLD1 protein function with a positive predictive value of 80%. In summary, the available evidence is currently insufficient to determine the role of this variant in disease. Therefore, it has been classified as a Variant of Uncertain Significance.

Ambry Genetics
Classification: Uncertain significance for Hereditary cancer-predisposing syndrome. Last evaluated: 2025-04-10. Review status: criteria provided, single submitter. Criteria: Ambry Variant Classification Scheme 2023. Collection method: clinical testing. Allele origin: germline.
Comment: The p.T539I variant (also known as c.1616C>T), located in coding exon 12 of the POLD1 gene, results from a C to T substitution at nucleotide position 1616. The threonine at codon 539 is replaced by isoleucine, an amino acid with similar properties. This amino acid position is conserved. In addition, this alteration is predicted to be deleterious by in silico analysis. Since supporting evidence is limited at this time, the clinical significance of this alteration remains unclear.

NM_002691.4(POLD1):c.1616C>T (p.Thr539Ile)

Gene: POLD1 (DNA polymerase delta 1, catalytic subunit; plus strand). Cytogenetic location: 19q13.33.
Variant type: single nucleotide variant.
Coding change: c.1616C>T on transcript NM_002691.4 (MANE Select); coding-DNA position 1616, C replaced by T.
Protein change: p.Thr539Ile; replaces threonine 539 with isoleucine.
Molecular consequence: missense variant. On other transcripts: non-coding transcript variant (1).
Genome position (GRCh38, 1-based): chr19:50,407,104, C>T. VCF-style: chr19-50407104-C-T. GRCh37 (hg19) VCF-style: chr19-50910361-C-T.
Other names: c.1616C>T, p.Thr539Ile (NM_001256849.1, NM_001308632.1); short protein forms T539I.
Identifiers: ClinVar variation 1396674 (VCV001396674.9), dbSNP rs754969306, ClinGen allele CA9596188.
Genomic context (GRCh38, chr19:50,407,104, plus strand): 5'-CACTGCGGCTGCTGGAGCGGCTCATGGTGCTGGTGAACGCCGTGGAGATGGCGAGGGTCA[C>T]TGGCGTGCCCCTCAGCTACCTGCTCAGTCGTGGCCAGCAGGTCAAGGTCGTATCCCAGCT-3'
Protein context (NP_002682.2, residues 529-549): LVNAVEMARV[Thr539Ile]GVPLSYLLSR